The following is an entry in ClinVar:

NM_015338.6(ASXL1):c.2957A>G (p.Asn986Ser)

Gene: ASXL1 (ASXL transcriptional regulator 1; plus strand). Cytogenetic location: 20q11.21.
Variant type: single nucleotide variant.
Coding change: c.2957A>G on transcript NM_015338.6 (MANE Select); coding-DNA position 2957, A replaced by G.
Protein change: p.Asn986Ser; replaces asparagine 986 with serine.
Molecular consequence: missense variant.
Genome position (GRCh38, 1-based): chr20:32,435,669, A>G. VCF-style: chr20-32435669-A-G. GRCh37 (hg19) VCF-style: chr20-31023472-A-G.
Other names: c.2774A>G, p.Asn925Ser (NM_001363734.1); short protein forms N986S, N925S.
Identifiers: ClinVar variation 133579 (VCV000133579.41), dbSNP rs145132837, ClinGen allele CA156990.

ClinVar aggregate classification (germline): Benign/Likely benign. Review status: criteria provided, multiple submitters, no conflicts (2 of 4 stars). 10 submissions from 10 submitters: Benign (2); Likely benign (6). 2 of the submissions do not count toward it. Last evaluated 2026-07-01.

Conditions:
ASXL1-related disorder. Also called: ASXL1-related disorders; ASXL1-related condition.
Inborn genetic diseases. Identifiers: MedGen C0950123, MeSH D030342.
Bohring-Opitz syndrome. Also called: C-LIKE SYNDROME; ASXL1-Related Bohring-Opitz Syndrome; OPITZ TRIGONOCEPHALY-LIKE SYNDROME; BOHRING SYNDROME. Identifiers: Orphanet 97297, MedGen C0796232, MONDO:0011510, OMIM 605039.
Myelodysplastic syndrome (MDS). Also called: Myelodysplastic syndromes; MYELODYSPLASTIC SYNDROME, SUSCEPTIBILITY TO; Myelodysplastic syndrome, somatic. Identifiers: Orphanet 52688, MedGen C3463824, MeSH D009190, MONDO:0018881, OMIM 614286.

Allele frequency attached by ClinVar (database versions not stated): 1000 Genomes Project 30x 0.00031; 1000 Genomes Project 0.00040; ExAC 0.00126; gnomAD exomes 0.00148 and 0.00180; gnomAD 0.00172 and 0.00178; TOPMed 0.00174; ESP Exome Variant Server 0.00231.
gnomAD v4.1: 2,892 of 1,614,144 alleles (0.18%); highest among the groups gnomAD compares: Non-Finnish European, 0.21%; 8 homozygotes.

Submissions (10):

CeGaT Center for Human Genetics Tuebingen
Classification: Likely benign. Last evaluated: 2026-07-01. Review status: criteria provided, single submitter. Criteria: CeGaT Center For Human Genetics Tuebingen Variant Classification Criteria Version 2. Collection method: clinical testing. Allele origin: germline. Affected: yes. Observed: 23 variant alleles.
Comment: ASXL1: BP4

Labcorp Genetics (formerly Invitae), Labcorp
Classification: Likely benign. Last evaluated: 2025-12-16. Review status: criteria provided, single submitter. Criteria: Invitae Variant Classification Sherloc (09022015). Collection method: clinical testing. Allele origin: germline.

Ambry Genetics
Classification: Likely benign for Inborn genetic diseases. Last evaluated: 2025-11-26. Review status: criteria provided, single submitter. Criteria: Ambry Variant Classification Scheme 2023. Collection method: clinical testing. Allele origin: germline.

Blueprint Genetics
Classification: Likely benign. Last evaluated: 2024-11-27. Review status: criteria provided, single submitter. Criteria: ACMG Guidelines, 2015. Collection method: clinical testing. Allele origin: germline.

Fulgent Genetics
Classification: Likely benign for Bohring-Opitz syndrome; Myelodysplastic syndrome. Last evaluated: 2021-12-10. Review status: criteria provided, single submitter. Criteria: ACMG Guidelines, 2015. Collection method: clinical testing. Allele origin: unknown.

Genome-Nilou Lab
Classification: Benign for Bohring-Opitz syndrome. Last evaluated: 2021-12-05. Review status: criteria provided, single submitter. Criteria: ACMG Guidelines, 2015. Collection method: clinical testing. Allele origin: germline. Affected: no.

GeneDx
Classification: Benign. Last evaluated: 2019-04-05. Review status: criteria provided, single submitter. Criteria: GeneDx Variant Classification Process June 2021. Collection method: clinical testing. Allele origin: germline. Affected: yes.
Comment: This variant is associated with the following publications: (PMID: 29456859)

Breakthrough Genomics
Classification: Likely benign. Review status: criteria provided, single submitter. Criteria: ACMG Guidelines, 2015. Collection method: not provided. Allele origin: germline. Inheritance: Autosomal dominant inheritance. Affected: yes.

PreventionGenetics, part of Exact Sciences
Classification: Likely benign for ASXL1-related condition. Last evaluated: 2020-03-09. Review status: no assertion criteria provided. Collection method: clinical testing. Allele origin: germline. Not counted in ClinVar's aggregate classification.
Comment: This variant is classified as likely benign based on ACMG/AMP sequence variant interpretation guidelines (Richards et al. 2015 PMID: 25741868, with internal and published modifications).

ITMI
No classification provided. Condition: AllHighlyPenetrant. Last evaluated: 2013-09-19. Review status: no classification provided. Collection method: reference population. Allele origin: germline. Not counted in ClinVar's aggregate classification.
Comment: Please see associated publication for description of ethnicities

Literature cited by the submitters: PubMed 24728327 (cited by ITMI).